The following is an entry in ClinVar:

NM_004463.3(FGD1):c.2046G>T (p.Gln682His)

Gene: FGD1 (FYVE, RhoGEF and PH domain containing 1; minus strand). Cytogenetic location: Xp11.22.
Variant type: single nucleotide variant.
Coding change: c.2046G>T on transcript NM_004463.3 (MANE Select); coding-DNA position 2046, G replaced by T.
Protein change: p.Gln682His; replaces glutamine 682 with histidine.
Molecular consequence: missense variant.
Genome position (GRCh38, 1-based): chrX:54,450,271, C>A on the plus strand (G>T on the coding strand, the complement: FGD1 is on the minus strand). VCF-style: chrX-54450271-C-A. GRCh37 (hg19) VCF-style: chrX-54476704-C-A.
Other names: NC_000023.10:g.54476704C>A; short protein forms Q682H.
Identifiers: ClinVar variation 3254614 (VCV003254614.2), dbSNP rs2522693773.
Genomic context (GRCh38, chrX:54,450,271, plus strand): 5'-AACCCCTAGGAGACCTGTTAATACTCTTCTAGCCCCCTACCACAGAGCCTTGGATGTTAC[C>A]TGGACCCAGTCTTTCTTCTCCTCCTCAGTCCTTGGGGTGGGGAATAAAAAAGAAAGATGT-3'
Protein context (NP_004454.2, residues 672-692): RTEEEKKDWV[Gln682His]AINSTLLKHE

ClinVar aggregate classification (germline): Uncertain significance (1 of 4 stars; one submission).

Conditions:
Aarskog syndrome (AAS). Also called: Aarskog Scott syndrome; Aarskog disease; Aarskog-Scott syndrome, X-linked; FGDY; FGD1-Related Faciogenital Dysplasia (Aarskog-Scott Syndrome). Identifiers: Orphanet 915, MedGen C0175701, MONDO:0010589, OMIM 305400.

Submissions (3):

Victorian Clinical Genetics Services, Murdoch Childrens Research Institute
Classification: Uncertain significance for Aarskog syndrome. Last evaluated: 2023-12-21. Review status: criteria provided, single submitter. Criteria: ACMG Guidelines, 2015. Collection method: clinical testing. Allele origin: germline. Inheritance: X-linked recessive inheritance. Affected: yes.
Comment: Based on the classification scheme VCGS_Germline_v1.3.4, this variant is classified as VUS-3A. Following criteria are met: 0102 - Loss of function is a known mechanism of disease in this gene and is associated with X-linked, syndromic intellectual developmental disorder 16 and Aarskog-Scott syndrome (MIM#305400). (I) 0109 - This gene is associated with X-linked recessive disease. Heterozygous females are clinically unaffected, unless affected by skewed X-inactivation (OMIM). (I) 0200 - Variant is predicted to result in a missense amino acid change from glutamine to histidine. This variant is located at the last nucleotide of an exon and therefore, may be expected to affect splicing. (I) 0253 - This variant is hemizygous. (I) 0301 - Variant is absent from gnomAD (both v2 and v3). (SP) 0309 - An alternative amino acid change at the same position has been observed in gnomAD (v3) (1 heterozygote, 0 homozygotes, 0 hemizygotes). (I) 0505 - Abnormal splicing is predicted by in silico tools and affected nucleotide is highly conserved. Missense in silico predictions are conflicting and this residue has uninformative conservation. (SP) 0600 - Variant is located in the annotated PH domain (DECIPHER). (I) 0705 - No comparable missense variants have previous evidence for pathogenicity. (I) 0807 - This variant has no previous evidence of pathogenicity. (I) 0905 - No published segregation evidence has been identified for this variant. (I) 1007 - No published functional evidence has been identified for this variant. (I) Legend: (SP) - Supporting pathogenic, (I) - Information, (SB) - Supporting benign

Dr. Peter K. Rogan Lab, Western University
No classification provided (evidence only). Condition: Thyroid cancer, nonmedullary, 1. Review status: no classification provided. Collection method: in vitro. Allele origin: not applicable. Functional consequence: retained intron. Not counted in ClinVar's aggregate classification.

Dr. Peter K. Rogan Lab, Western University
No classification provided (evidence only). Condition: Thyroid cancer, nonmedullary, 1. Review status: no classification provided. Collection method: in vitro. Allele origin: not applicable. Functional consequence: retained intron. Not counted in ClinVar's aggregate classification.